The following is an entry in ClinVar:

ClinVar aggregate classification (germline): Uncertain significance. Review status: criteria provided, multiple submitters, no conflicts (2 of 4 stars). 2 submissions from 2 submitters: Uncertain significance (2). Last evaluated 2025-10-29.

Conditions:
AFF4-related disorder. Also called: AFF4-related condition.
Cognitive impairment - coarse facies - heart defects - obesity - pulmonary involvement - short stature - skeletal dysplasia syndrome. Also called: COGNITIVE IMPAIRMENT, COARSE FACIES, HEART DEFECTS, OBESITY, PULMONARY INVOLVEMENT, SHORT STATURE, AND SKELETAL DYSPLASIA; Chops syndrome; AFF4-Related CHOPS Syndrome. Identifiers: Orphanet 444077, MedGen C4085597, MONDO:0014609, OMIM 616368.

Allele frequency attached by ClinVar (database versions not stated): gnomAD 0.00001; TOPMed 0.00002; gnomAD exomes 0.00003; ExAC 0.00004; ESP Exome Variant Server 0.00008.
gnomAD v4.1: 44 of 1,614,052 alleles (0.0027%); highest among the groups gnomAD compares: Non-Finnish European, 0.0036%; no homozygotes.

Submissions (2):

PreventionGenetics, part of Exact Sciences
Classification: Uncertain significance for AFF4-related condition. Last evaluated: 2025-10-29. Review status: criteria provided, single submitter. Criteria: ACMG Guidelines, 2015. Collection method: clinical testing. Allele origin: germline.
Comment: The AFF4 c.824A>G variant is predicted to result in the amino acid substitution p.Tyr275Cys. To our knowledge, this variant has not been reported in the literature. This variant is reported in 0.0053% of alleles in individuals of European (Non-Finnish) descent in gnomAD. At this time, the clinical significance of this variant is uncertain due to the absence of conclusive functional and genetic evidence.

Labcorp Genetics (formerly Invitae), Labcorp
Classification: Uncertain significance for Cognitive impairment - coarse facies - heart defects - obesity - pulmonary involvement - short stature - skeletal dysplasia syndrome. Last evaluated: 2025-04-17. Review status: criteria provided, single submitter. Criteria: Invitae Variant Classification Sherloc (09022015). Collection method: clinical testing. Allele origin: germline.
Comment: This sequence change replaces tyrosine, which is neutral and polar, with cysteine, which is neutral and slightly polar, at codon 275 of the AFF4 protein (p.Tyr275Cys). This variant is present in population databases (rs371241687, gnomAD 0.006%). This variant has not been reported in the literature in individuals affected with AFF4-related conditions. ClinVar contains an entry for this variant (Variation ID: 2915168). Invitae Evidence Modeling of protein sequence and biophysical properties (such as structural, functional, and spatial information, amino acid conservation, physicochemical variation, residue mobility, and thermodynamic stability) indicates that this missense variant is expected to disrupt AFF4 protein function with a positive predictive value of 80%. In summary, the available evidence is currently insufficient to determine the role of this variant in disease. Therefore, it has been classified as a Variant of Uncertain Significance.

NM_014423.4(AFF4):c.824A>G (p.Tyr275Cys)

Gene: AFF4 (ALF transcription elongation factor 4; minus strand). Cytogenetic location: 5q31.1.
Variant type: single nucleotide variant.
Coding change: c.824A>G on transcript NM_014423.4 (MANE Select); coding-DNA position 824, A replaced by G.
Protein change: p.Tyr275Cys; replaces tyrosine 275 with cysteine.
Molecular consequence: missense variant.
Genome position (GRCh38, 1-based): chr5:132,934,241, T>C on the plus strand (A>G on the coding strand, the complement: AFF4 is on the minus strand). VCF-style: chr5-132934241-T-C. GRCh37 (hg19) VCF-style: chr5-132269933-T-C.
Other names: c.824A>G (NM_014423.3); short protein forms Y275C.
Identifiers: ClinVar variation 2915168 (VCV002915168.5), dbSNP rs371241687, ClinGen allele CA3409370.
Genomic context (GRCh38, chr5:132,934,241, plus strand): 5'-AGATGTGCTTTGCTGCTGGGCTTCAGCTCAGTCATGCTGTTGCCATGGGATTGGCTGCTG[T>C]AGTGCTCAGAGGACAGCTTTGGTTCCATGGACTCCTGTCCGTCCATGGGCCGCACATAGG-3'
Protein context (NP_055238.1, residues 265-285): SMEPKLSSEH[Tyr275Cys]SSQSHGNSMT